The following is an entry in ClinVar:

NM_001267550.2(TTN):c.27886+5T>C

Gene: TTN (titin; minus strand). Cytogenetic location: 2q31.2.
Variant type: single nucleotide variant.
Coding change: c.27886+5T>C on transcript NM_001267550.2 (MANE Select); 5 bases into the intron after coding-DNA position 27886, T replaced by C.
Molecular consequence: intron variant.
Genome position (GRCh38, 1-based): chr2:178,711,939, A>G on the plus strand (T>C on the coding strand, the complement: TTN is on the minus strand). VCF-style: chr2-178711939-A-G. GRCh37 (hg19) VCF-style: chr2-179576666-A-G.
Other names: c.13282+26143T>C (NM_003319.4); c.13858+26143T>C (NM_133437.4); c.13657+26143T>C (NM_133432.3); c.24154+5T>C (NM_133378.4); c.26935+5T>C (NM_001256850.1).
Identifiers: ClinVar variation 229409 (VCV000229409.7), dbSNP rs876658050, ClinGen allele CA10576547.

ClinVar aggregate classification (germline): Uncertain significance. Review status: criteria provided, multiple submitters, no conflicts (2 of 4 stars). 2 submissions from 2 submitters: Uncertain significance (2). Last evaluated 2017-06-06.

Conditions:
Autosomal recessive limb-girdle muscular dystrophy type 2J (LGMDR10). Also called: Limb-girdle muscular dystrophy, type 2J; MUSCULAR DYSTROPHY, LIMB-GIRDLE, AUTOSOMAL RECESSIVE 10. Identifiers: Orphanet 140922, MedGen C1837342, MONDO:0012127, OMIM 608807.
Dilated cardiomyopathy 1G (CMD1G). Identifiers: Orphanet 154, MedGen C1858763, MONDO:0011400, OMIM 604145.

Allele frequency attached by ClinVar (database versions not stated): gnomAD exomes below 0.00001 and 0.00001; gnomAD 0.00001; TOPMed 0.00001.
gnomAD v4.1: 9 of 1,560,566 alleles (0.00058%); highest among the groups gnomAD compares: Non-Finnish European, 0.00078%; no homozygotes.

Submissions (2):

Labcorp Genetics (formerly Invitae), Labcorp
Classification: Uncertain significance for Dilated cardiomyopathy 1G; Autosomal recessive limb-girdle muscular dystrophy type 2J. Last evaluated: 2017-06-06. Review status: criteria provided, single submitter. Criteria: Invitae Variant Classification Sherloc (09022015). Collection method: clinical testing. Allele origin: germline.

Laboratory for Molecular Medicine, Mass General Brigham Personalized Medicine
Classification: Uncertain significance. Last evaluated: 2015-03-24. Review status: criteria provided, single submitter. Criteria: LMM Criteria. Collection method: clinical testing. Allele origin: germline. Observed: 1 variant allele.
Comment: The c.24154+5T>C variant in TTN has not been previously reported in individuals with cardiomyopathy or in large population studies. This variant is located in t he 5' splice region. Computational tools do not suggest an impact to splicing. H owever, this information is not predictive enough to rule out pathogenicity. In summary, the clinical significance of the c.24154+5T>C variant is uncertain.